The following is an entry in ClinVar:

NM_001365088.1(SLC12A6):c.2162+323A>G

Gene: SLC12A6 (solute carrier family 12 member 6; minus strand). Cytogenetic location: 15q14.
Variant type: single nucleotide variant.
Coding change: c.2162+323A>G on transcript NM_001365088.1 (MANE Select); 323 bases into the intron after coding-DNA position 2162, A replaced by G.
Molecular consequence: intron variant.
Genome position (GRCh38, 1-based): chr15:34,241,779, T>C on the plus strand (A>G on the coding strand, the complement: SLC12A6 is on the minus strand). VCF-style: chr15-34241779-T-C. GRCh37 (hg19) VCF-style: chr15-34533980-T-C.
Other names: c.1985+323A>G (NM_001042495.2, NM_001042494.2); c.2135+323A>G (NM_001042496.2); c.2117+323A>G (NM_001042497.2); c.2162+323A>G (NM_133647.2); c.2009+323A>G (NM_005135.2).
Identifiers: ClinVar variation 671683 (VCV000671683.1), dbSNP rs10519916, ClinGen allele CA14169114.

ClinVar aggregate classification (germline): Benign (1 of 4 stars; one submission).

Allele frequency attached by ClinVar (database versions not stated): 1000 Genomes Project 0.08606; TOPMed 0.09540; gnomAD 0.10107 and 0.10141.
gnomAD v4.1: 15,465 of 152,214 alleles (10%); highest among the groups gnomAD compares: South Asian, 15%; 887 homozygotes.

Submission:

GeneDx
Classification: Benign. Last evaluated: 2018-06-20. Review status: criteria provided, single submitter. Criteria: GeneDx Variant Classification (06012015). Collection method: clinical testing. Allele origin: germline. Affected: yes.
Comment: This variant is considered likely benign or benign based on one or more of the following criteria: it is a conservative change, it occurs at a poorly conserved position in the protein, it is predicted to be benign by multiple in silico algorithms, and/or has population frequency not consistent with disease.